The following is an entry in ClinVar:

NM_001165963.4(SCN1A):c.3278A>G (p.Glu1093Gly)

Genes: SCN1A (sodium voltage-gated channel alpha subunit 1; minus strand), LOC102724058 (uncharacterized LOC102724058; plus strand). Cytogenetic location: 2q24.3.
Variant type: single nucleotide variant.
Coding change: c.3278A>G on transcript NM_001165963.4 (MANE Select); coding-DNA position 3278, A replaced by G.
Protein change: p.Glu1093Gly; replaces glutamic acid 1093 with glycine.
Molecular consequence: missense variant. On other transcripts: non-coding transcript variant (2).
Genome position (GRCh38, 1-based): chr2:166,036,199, T>C on the plus strand (A>G on the coding strand, the complement: SCN1A is on the minus strand). VCF-style: chr2-166036199-T-C. GRCh37 (hg19) VCF-style: chr2-166892709-T-C.
Other names: c.3194A>G, p.Glu1065Gly (NM_001165964.3, NM_001353957.2, NM_001353958.2); c.3278A>G, p.Glu1093Gly (NM_001202435.3, NM_001353948.2); c.3245A>G, p.Glu1082Gly (NM_001353949.2, NM_001353950.2, NM_001353951.2 and 2 more transcripts); c.3242A>G, p.Glu1081Gly (NM_001353954.2, NM_001353955.2); c.3191A>G, p.Glu1064Gly (NM_001353960.2); c.836A>G, p.Glu279Gly (NM_001353961.2); short protein forms E1064G, E1065G, E1081G, E1082G, E1093G, E279G.
Identifiers: ClinVar variation 2572870 (VCV002572870.1), dbSNP rs1164730356, ClinGen allele CA349059414.
Genomic context (GRCh38, chr2:166,036,199, plus strand): 5'-ACAGTAAGACTGGGGTTGTTTATGAATGACATGTAATCACTTTCATCAATAATGTATTTT[T>C]CAACACTGCTGCCAGTTCCTATACCACTTGTAGTTCCATTTACATCTTTAAGATAGTCAA-3'
Protein context (NP_001159435.1, residues 1083-1103): TSGIGTGSSV[Glu1093Gly]KYIIDESDYM

ClinVar aggregate classification (germline): Uncertain significance (1 of 4 stars; one submission).

Allele frequency attached by ClinVar (database versions not stated): gnomAD exomes below 0.00001; TOPMed below 0.00001.
gnomAD v4.1: 2 of 1,614,026 alleles (0.00012%); highest among the groups gnomAD compares: Admixed American, 0.0033%; no homozygotes.

Submission:

GeneDx
Classification: Uncertain significance. Last evaluated: 2023-01-13. Review status: criteria provided, single submitter. Criteria: GeneDx Variant Classification Process June 2021. Collection method: clinical testing. Allele origin: germline. Affected: yes.
Comment: Missense variants in this gene are often considered pathogenic (HGMD); This substitution is predicted to be in the cytoplasmic loop between the second and third homologous domains; In silico analysis supports that this missense variant has a deleterious effect on protein structure/function; Has not been previously published as pathogenic or benign to our knowledge